The following is an entry in ClinVar:

ClinVar aggregate classification (germline): Uncertain significance. Review status: criteria provided, multiple submitters, no conflicts (2 of 4 stars). 3 submissions from 3 submitters: Uncertain significance (3). Last evaluated 2025-09-25.

Conditions:
Inborn genetic diseases. Identifiers: MedGen C0950123, MeSH D030342.

Allele frequency attached by ClinVar (database versions not stated): ExAC 0.00001; gnomAD 0.00003; TOPMed 0.00003.
gnomAD v4.1: 26 of 1,613,960 alleles (0.0016%); highest among the groups gnomAD compares: Admixed American, 0.0067%; no homozygotes.

Submissions (3):

Ambry Genetics
Classification: Uncertain significance for Inborn genetic diseases. Last evaluated: 2025-09-25. Review status: criteria provided, single submitter. Criteria: Ambry Variant Classification Scheme 2023. Collection method: clinical testing. Allele origin: germline.

Labcorp Genetics (formerly Invitae), Labcorp
Classification: Uncertain significance. Last evaluated: 2024-01-02. Review status: criteria provided, single submitter. Criteria: Invitae Variant Classification Sherloc (09022015). Collection method: clinical testing. Allele origin: germline.
Comment: This sequence change replaces asparagine, which is neutral and polar, with serine, which is neutral and polar, at codon 1261 of the DENND5A protein (p.Asn1261Ser). This variant is present in population databases (rs758090222, gnomAD 0.006%). This variant has not been reported in the literature in individuals affected with DENND5A-related conditions. ClinVar contains an entry for this variant (Variation ID: 1984744). Advanced modeling of protein sequence and biophysical properties (such as structural, functional, and spatial information, amino acid conservation, physicochemical variation, residue mobility, and thermodynamic stability) performed at Invitae indicates that this missense variant is not expected to disrupt DENND5A protein function with a negative predictive value of 80%. In summary, the available evidence is currently insufficient to determine the role of this variant in disease. Therefore, it has been classified as a Variant of Uncertain Significance.

Blueprint Genetics
Classification: Uncertain significance. Last evaluated: 2020-04-01. Review status: criteria provided, single submitter. Criteria: ACMG Guidelines, 2015. Collection method: clinical testing. Allele origin: germline.

NM_015213.4(DENND5A):c.3782A>G (p.Asn1261Ser)

Gene: DENND5A (DENN domain containing 5A; minus strand). Cytogenetic location: 11p15.4.
Variant type: single nucleotide variant.
Coding change: c.3782A>G on transcript NM_015213.4 (MANE Select); coding-DNA position 3782, A replaced by G.
Protein change: p.Asn1261Ser; replaces asparagine 1261 with serine.
Molecular consequence: missense variant. On other transcripts: 3 prime UTR variant (1), non-coding transcript variant (1).
Genome position (GRCh38, 1-based): chr11:9,139,753, T>C on the plus strand (A>G on the coding strand, the complement: DENND5A is on the minus strand). VCF-style: chr11-9139753-T-C. GRCh37 (hg19) VCF-style: chr11-9161300-T-C.
Other names: c.*22A>G (NM_001243254.2); c.3782A>G, p.Asn1261Ser (NM_001348748.1); c.3710A>G, p.Asn1237Ser (NM_001348749.2); c.3494A>G, p.Asn1165Ser (NM_001348750.2); c.3782A>G (NM_015213.3); short protein forms N1165S, N1237S, N1261S.
Identifiers: ClinVar variation 1984744 (VCV001984744.6), dbSNP rs758090222, ClinGen allele CA5876961.